The following is an entry in ClinVar:

ClinVar aggregate classification (germline): Uncertain significance (1 of 4 stars; one submission).

Conditions:
LAMA5-related disorder. Also called: LAMA5-related condition; LAMA5-Related Disorders.

gnomAD v4.1: 9 of 1,501,204 alleles (0.0006%); highest among the groups gnomAD compares: African/African-American, 0.0014%; no homozygotes.

Submission:

PreventionGenetics, part of Exact Sciences
Classification: Uncertain significance for LAMA5-related condition. Last evaluated: 2026-03-20. Review status: criteria provided, single submitter. Criteria: ACMG Guidelines, 2015. Collection method: clinical testing. Allele origin: germline.
Comment: The LAMA5 c.4459G>A variant is predicted to result in the amino acid substitution p.Gly1487Ser. To our knowledge, this variant has not been reported in the literature. This variant is reported in 0.0014% of alleles in individuals of African descent in gnomAD v4.1.0. At this time, the clinical significance of this variant is uncertain due to the absence of conclusive functional and genetic evidence.

NM_005560.6(LAMA5):c.4459G>A (p.Gly1487Ser)

Gene: LAMA5 (laminin subunit alpha 5; minus strand). Cytogenetic location: 20q13.33.
Variant type: single nucleotide variant.
Coding change: c.4459G>A on transcript NM_005560.6 (MANE Select); coding-DNA position 4459, G replaced by A.
Protein change: p.Gly1487Ser; replaces glycine 1487 with serine.
Molecular consequence: missense variant.
Genome position (GRCh38, 1-based): chr20:62,328,434, C>T on the plus strand (G>A on the coding strand, the complement: LAMA5 is on the minus strand). VCF-style: chr20-62328434-C-T. GRCh37 (hg19) VCF-style: chr20-60903490-C-T.
Other names: short protein forms G1487S.
Identifiers: ClinVar variation 4983836 (VCV004983836.1).